The following is an entry in ClinVar:

ClinVar aggregate classification (germline): Conflicting classifications of pathogenicity. Review status: criteria provided, conflicting classifications (1 of 4 stars). 2 submissions from 2 submitters: Uncertain significance (1); Likely benign (1). Last evaluated 2025-12-12.

Conditions:
Hereditary cancer-predisposing syndrome. Also called: Hereditary Cancer Syndrome; Neoplastic Syndromes, Hereditary; Hereditary neoplastic syndrome; Tumor predisposition. Identifiers: Orphanet 140162, MedGen C0027672, MeSH D009386, MONDO:0015356.
Gorlin syndrome. Also called: Nevoid Basal Cell Carcinoma Syndrome; Basal cell nevus syndrome. Identifiers: Orphanet 377, MedGen C0004779, MONDO:0007187.
Medulloblastoma (MDB). Also called: Medulloblastoma, somatic; MEDULLOBLASTOMA PREDISPOSITION SYNDROME. Identifiers: Orphanet 616, MedGen C0025149, MeSH D008527, MONDO:0007959, OMIM 155255, HP:0002885.

Allele frequency attached by ClinVar (database versions not stated): gnomAD exomes below 0.00001; ExAC 0.00001.
gnomAD v4.1: 2 of 1,614,024 alleles (0.00012%); highest among the groups gnomAD compares: South Asian, 0.0022%; no homozygotes.

Submissions (2):

Ambry Genetics
Classification: Likely benign for Hereditary cancer-predisposing syndrome. Last evaluated: 2025-12-12. Review status: criteria provided, single submitter. Criteria: Ambry Variant Classification Scheme 2023. Collection method: clinical testing. Allele origin: germline.

Labcorp Genetics (formerly Invitae), Labcorp
Classification: Uncertain significance for Gorlin syndrome; Medulloblastoma. Last evaluated: 2023-06-04. Review status: criteria provided, single submitter. Criteria: Invitae Variant Classification Sherloc (09022015). Collection method: clinical testing. Allele origin: germline.
Comment: Advanced modeling of protein sequence and biophysical properties (such as structural, functional, and spatial information, amino acid conservation, physicochemical variation, residue mobility, and thermodynamic stability) performed at Invitae indicates that this missense variant is not expected to disrupt SUFU protein function. In summary, the available evidence is currently insufficient to determine the role of this variant in disease. Therefore, it has been classified as a Variant of Uncertain Significance. This sequence change replaces aspartic acid, which is acidic and polar, with asparagine, which is neutral and polar, at codon 287 of the SUFU protein (p.Asp287Asn). This variant is present in population databases (rs750436246, gnomAD 0.003%). This variant has not been reported in the literature in individuals affected with SUFU-related conditions. ClinVar contains an entry for this variant (Variation ID: 822584).

NM_016169.4(SUFU):c.859G>A (p.Asp287Asn)

Gene: SUFU (SUFU negative regulator of hedgehog signaling; plus strand). Cytogenetic location: 10q24.32.
Variant type: single nucleotide variant.
Coding change: c.859G>A on transcript NM_016169.4 (MANE Select); coding-DNA position 859, G replaced by A.
Protein change: p.Asp287Asn; replaces aspartic acid 287 with asparagine.
Molecular consequence: missense variant.
Genome position (GRCh38, 1-based): chr10:102,597,242, G>A. VCF-style: chr10-102597242-G-A. GRCh37 (hg19) VCF-style: chr10-104356999-G-A.
Other names: c.859G>A, p.Asp287Asn (NM_001178133.2); short protein forms D287N.
Identifiers: ClinVar variation 822584 (VCV000822584.17), dbSNP rs750436246, ClinGen allele CA5667788.